The following is an entry in ClinVar:

NM_015443.4(KANSL1):c.2467G>A (p.Val823Met)

Gene: KANSL1 (KAT8 regulatory NSL complex subunit 1). Cytogenetic location: 17q21.31.
Variant type: single nucleotide variant.
Coding change: c.2467G>A on transcript NM_015443.4 (MANE Select); coding-DNA position 2467, G replaced by A.
Protein change: p.Val823Met; replaces valine 823 with methionine.
Molecular consequence: missense variant.
Genome position (GRCh38, 1-based): chr17:46,038,612, C>T on the plus strand (G>A on the coding strand, the complement: KANSL1 is on the minus strand). VCF-style: chr17-46038612-C-T. GRCh37 (hg19) VCF-style: chr17-44115978-C-T.
Other names: c.1201G>A, p.Val401Met (NM_001405883.1, NM_001405882.1); c.1012G>A, p.Val338Met (NM_001405884.1, NM_001405885.1); c.2467G>A, p.Val823Met (NM_001405872.1, NM_001405873.1, NM_001405874.1 and 8 more transcripts); c.2278G>A, p.Val760Met (NM_001405875.1, NM_001405876.1, NM_001405877.1 and 3 more transcripts); c.2365G>A, p.Val789Met (NM_001405881.1, NM_001405859.1, NM_001405860.1 and 1 more transcripts); short protein forms V338M, V401M, V789M, V760M, V823M.
Identifiers: ClinVar variation 3672321 (VCV003672321.2).

ClinVar aggregate classification (germline): Uncertain significance (1 of 4 stars; one submission).

Conditions:
Koolen-de Vries syndrome (KDVS). Identifiers: Orphanet 96169, MedGen C1864871, MONDO:0012496, OMIM 610443.

gnomAD v4.1: 3 of 1,614,008 alleles (0.00019%); highest among the groups gnomAD compares: African/African-American, 0.004%; no homozygotes.

Submission:

Labcorp Genetics (formerly Invitae), Labcorp
Classification: Uncertain significance for Koolen-de Vries syndrome. Last evaluated: 2025-08-04. Review status: criteria provided, single submitter. Criteria: Invitae Variant Classification Sherloc (09022015). Collection method: clinical testing. Allele origin: germline.
Comment: This sequence change replaces valine, which is neutral and non-polar, with methionine, which is neutral and non-polar, at codon 823 of the KANSL1 protein (p.Val823Met). This variant is not present in population databases (gnomAD no frequency). This variant has not been reported in the literature in individuals affected with KANSL1-related conditions. ClinVar contains an entry for this variant (Variation ID: 3672321). Invitae Evidence Modeling of protein sequence and biophysical properties (such as structural, functional, and spatial information, amino acid conservation, physicochemical variation, residue mobility, and thermodynamic stability) indicates that this missense variant is not expected to disrupt KANSL1 protein function with a negative predictive value of 80%. In summary, the available evidence is currently insufficient to determine the role of this variant in disease. Therefore, it has been classified as a Variant of Uncertain Significance.